The following is an entry in ClinVar:

NM_032634.4(PIGO):c.1333C>T (p.Arg445Cys)

Gene: PIGO (phosphatidylinositol glycan anchor biosynthesis class O; minus strand). Cytogenetic location: 9p13.3.
Variant type: single nucleotide variant.
Coding change: c.1333C>T on transcript NM_032634.4 (MANE Select); coding-DNA position 1333, C replaced by T.
Protein change: p.Arg445Cys; replaces arginine 445 with cysteine.
Molecular consequence: missense variant.
Genome position (GRCh38, 1-based): chr9:35,092,554, G>A on the plus strand (C>T on the coding strand, the complement: PIGO is on the minus strand). VCF-style: chr9-35092554-G-A. GRCh37 (hg19) VCF-style: chr9-35092551-G-A.
Other names: c.1333C>T, p.Arg445Cys (NM_001201484.2, NM_152850.4); short protein forms R445C.
Identifiers: ClinVar variation 1376529 (VCV001376529.6), dbSNP rs779260324, ClinGen allele CA5040658.

ClinVar aggregate classification (germline): Uncertain significance. Review status: criteria provided, multiple submitters, no conflicts (2 of 4 stars). 2 submissions from 2 submitters: Uncertain significance (2). Last evaluated 2021-09-01.

Conditions:
Hyperphosphatasia with impaired intellectual development syndrome 2. Also called: Hyperphosphatasia with intellectual disability syndrome 2; GLYCOSYLPHOSPHATIDYLINOSITOL BIOSYNTHESIS DEFECT 6. Identifiers: Orphanet 247262, MedGen C3553637, MONDO:0013882, OMIM 614749.

Allele frequency attached by ClinVar (database versions not stated): gnomAD exomes 0.00004 and 0.00001; gnomAD 0.00002 and 0.00001; ExAC 0.00006; TOPMed 0.00002.
gnomAD v4.1: 18 of 1,614,072 alleles (0.0011%); highest among the groups gnomAD compares: South Asian, 0.0033%; no homozygotes.

Submissions (2):

Labcorp Genetics (formerly Invitae), Labcorp
Classification: Uncertain significance for Hyperphosphatasia with impaired intellectual development syndrome 2. Last evaluated: 2021-09-01. Review status: criteria provided, single submitter. Criteria: Invitae Variant Classification Sherloc (09022015). Collection method: clinical testing. Allele origin: germline.
Comment: This sequence change replaces arginine with cysteine at codon 445 of the PIGO protein (p.Arg445Cys). The arginine residue is highly conserved and there is a large physicochemical difference between arginine and cysteine. This variant is present in population databases (rs779260324, ExAC 0.009%). This variant has not been reported in the literature in individuals affected with PIGO-related conditions. Algorithms developed to predict the effect of missense changes on protein structure and function (SIFT, PolyPhen-2, Align-GVGD) all suggest that this variant is likely to be disruptive. In summary, the available evidence is currently insufficient to determine the role of this variant in disease. Therefore, it has been classified as a Variant of Uncertain Significance.

Blueprint Genetics
Classification: Uncertain significance. Last evaluated: 2019-12-09. Review status: criteria provided, single submitter. Criteria: ACMG Guidelines, 2015. Collection method: clinical testing. Allele origin: germline.